The following continues an entry in ClinVar:

NM_003002.4(SDHD):c.34G>A (p.Gly12Ser)

ClinVar aggregate classification (germline): Conflicting classifications of pathogenicity. Uncertain significance (1); Benign (21); Likely benign (4).

Submissions 21 to 32 of 32:

Women's Health and Genetics/Laboratory Corporation of America, LabCorp
Classification: Benign. Last evaluated: 2016-05-25. Review status: criteria provided, single submitter. Criteria: LabCorp Variant Classification Summary - May 2015. Collection method: clinical testing. Allele origin: germline.
Comment: Variant summary: The SDHD c.34G>A (p.Gly12Ser) variant involves the alteration of a non-conserved nucleotide. 2/3 in silico tools predict a benign outcome for this variant (SNPs&GO and MutationTaster not captured due to low reliability index). Functional studies of G12S in the literature have shown mixed results. G12S has been shown to increase ROS levels and activated signaling down the AKT and MAPK pathways, as well as inducing migration and increasing resistance to apoptosis. However, the results of these functional studies may not be a reflection of the in vivo consequence in relation to the PGL/PCC or Cowden Syndrome phenotypes.Population level data suggest that this variant lies in the benign spectrum. Although this variant has been identified in CS, CS-like, and cancer patients, it was also found in 881/121216 control chromosomes (5 homozygotes) at a frequency of 0.007268, which is approximately 4652 times the estimated maximal expected allele frequency of a pathogenic SDHD variant (0.0000016), suggesting this variant is likely a benign polymorphism. Additionally, it was found at an allele frequency of >1% in both the European non-Finnish and other subpopulations of ExAC. Sequence alignment indicates the occurrences in ExAC are unlikely to be from the pseudogenes.Furthermore, multiple clinical diagnostic laboratories/reputable databases classified this variant as benign. Taken together, this variant is classified as benign.

Genomic Diagnostic Laboratory, Division of Genomic Diagnostics, Children's Hospital of Philadelphia
Classification: Benign for Paragangliomas 1. Last evaluated: 2015-11-06. Review status: criteria provided, single submitter. Criteria: DGD Variant Analysis Guidelines. Collection method: clinical testing. Allele origin: unknown.

Eurofins Ntd Llc (ga)
Classification: Benign. Last evaluated: 2015-07-07. Review status: criteria provided, single submitter. Criteria: EGL Classification Definitions 2015. Collection method: clinical testing. Allele origin: germline. Observed: 1 variant allele, 1 heterozygote.

Ambry Genetics
Classification: Benign for Hereditary cancer-predisposing syndrome. Last evaluated: 2015-05-22. Review status: criteria provided, single submitter. Criteria: Ambry Variant Classification Scheme 2023. Collection method: clinical testing. Allele origin: germline.

Laboratory for Molecular Medicine, Mass General Brigham Personalized Medicine
Classification: Benign. Last evaluated: 2014-04-23. Review status: criteria provided, single submitter. Criteria: LMM Criteria. Collection method: clinical testing. Allele origin: germline. Observed: 1 variant allele.
Comment: Gly12Ser in exon 1 of SDHD: This variant has been identified in 1% (36/3612) of patient chromosomes with varying cancer types that included pheochromocytoma, p araganglioma, Cowden and Cowden-like syndromes, and athersclerosis (Gimm 2000, L eube 2004, Ni 2008, Ni 2012, Johnston 2012, Lendavi 2012, Rattenbery 2013). Howe ver, this variant has also been identified in 1.1% (96/8594) European American c hromosomes by the NHLBI Exome Sequencing Project and 2.5% (6/330) of Puerto Rican and Colombian chromosomes from the 1000 Genomes Project (dbSNP rs34677591). Furthermore, glycine (Gly) at position 12 is not c onserved in mammals or evolutionarily distant species and 5 mammals (tree shrew, vole, hamster, mouse, and rat) carry a serine (Ser) at this position, supportin g that this change may be tolerated. Two studies have shown that this variant ma y modify cancer risk in individuals with pathogenic variants in familial cancer syndrome genes (Ni 2012, Lindavi 2012), though these findings have not been repl icated. In summary, due to the high and equal allele frequency in patient and co ntrol chromosomes and the lack of conservation, this variant is unlikely to cont ribute to Mendelian disease.

PreventionGenetics, part of Exact Sciences
Classification: Benign. Review status: criteria provided, single submitter. Criteria: ACMG Guidelines, 2015. Collection method: clinical testing. Allele origin: germline.

ITMI
No classification provided. Condition: AllHighlyPenetrant. Last evaluated: 2013-09-19. Review status: no classification provided. Collection method: reference population. Allele origin: germline. Not counted in ClinVar's aggregate classification.
Comment: Please see associated publication for description of ethnicities

Biesecker Lab/Clinical Genomics Section, National Institutes of Health
Classification: Benign. Last evaluated: 2012-07-13. Review status: no assertion criteria provided. Collection method: research. Allele origin: germline. Affected: no. Observed: 9 variant alleles. Study: ClinSeq. Not counted in ClinVar's aggregate classification.
ClinVar note: Converted during submission from no known pathogenicity to Benign.

OMIM
Classification: Uncertain significance for RECLASSIFIED - VARIANT OF UNKNOWN SIGNIFICANCE. Last evaluated: 2008-08-01. Review status: no assertion criteria provided. Collection method: literature only. Allele origin: unknown. Not counted in ClinVar's aggregate classification.

Genome Diagnostics Laboratory, Amsterdam University Medical Center
Classification: Benign. Review status: no assertion criteria provided. Collection method: clinical testing. Allele origin: germline. Affected: yes. Study: VKGL Data-share Consensus. Not counted in ClinVar's aggregate classification.

Joint Genome Diagnostic Labs from Nijmegen and Maastricht, Radboudumc and MUMC+
Classification: Benign. Review status: no assertion criteria provided. Collection method: clinical testing. Allele origin: germline. Affected: yes. Study: VKGL Data-share Consensus. Not counted in ClinVar's aggregate classification.

Laboratory of Diagnostic Genome Analysis, Leiden University Medical Center (LUMC)
Classification: Likely benign. Review status: no assertion criteria provided. Collection method: clinical testing. Allele origin: germline. Affected: yes. Study: VKGL Data-share Consensus. Not counted in ClinVar's aggregate classification.

Literature cited by the submitters: PubMed 27153395 (cited by Quest Diagnostics Nichols Institute San Juan Capistrano); PubMed 32906206 (cited by Quest Diagnostics Nichols Institute San Juan Capistrano); PubMed 18678321 (cited by 6 submitters); PubMed 12386824 (cited by 4 submitters); PubMed 12007193 (cited by 3 submitters); PubMed 11156372 (cited by 5 submitters); PubMed 12111639 (cited by 4 submitters); PubMed 11526495 (cited by 4 submitters); PubMed 24728327 (cited by 4 submitters); PubMed 22584711 (cited by Quest Diagnostics Nichols Institute San Juan Capistrano and Laboratory for Molecular Medicine, Mass General Brigham Personalized Medicine); PubMed 15032977 (cited by 4 submitters); PubMed 23175444 (cited by 3 submitters); PubMed 25149476 (cited by 4 submitters); PubMed 21979946 (cited by 4 submitters); PubMed 23666964 (cited by 3 submitters); PubMed 24886695 (cited by Women's Health and Genetics/Laboratory Corporation of America, LabCorp); Hamosh, A. Personal Communication. 2018. Baltimore, Md. (cited by OMIM); PubMed 21565294 (cited by OMIM); PubMed 10657297 (cited by OMIM).